The following is an entry in ClinVar:

NM_016824.5(ADD3):c.340G>T (p.Gly114Cys)

Gene: ADD3 (adducin 3; plus strand). Cytogenetic location: 10q25.2.
Variant type: single nucleotide variant.
Coding change: c.340G>T on transcript NM_016824.5 (MANE Select); coding-DNA position 340, G replaced by T.
Protein change: p.Gly114Cys; replaces glycine 114 with cysteine.
Molecular consequence: missense variant.
Genome position (GRCh38, 1-based): chr10:110,116,264, G>T. VCF-style: chr10-110116264-G-T. GRCh37 (hg19) VCF-style: chr10-111876022-G-T.
Other names: c.340G>T, p.Gly114Cys (NM_001121.4, NM_001320591.2, NM_001320592.2 and 2 more transcripts); c.106G>T, p.Gly36Cys (NM_001320594.2); c.340G>T (NM_016824.3); short protein forms G114C, G36C.
Identifiers: ClinVar variation 1449269 (VCV001449269.8), dbSNP rs369234729, ClinGen allele CA5686330.
Genomic context (GRCh38, chr10:110,116,264, plus strand): 5'-TCCAGGTAAGGGATTGCATGACTCGTATCTCTCTCCACATTTTTTGCTCTTTTAGGTCTT[G>T]GCATGGTCACACCTATCAATGACCTTCCTGGTGCAGATACATCCTCATATGTGAAGGGAG-3'
Protein context (NP_058432.1, residues 104-124): SGFSSPPLSL[Gly114Cys]MVTPINDLPG

ClinVar aggregate classification (germline): Uncertain significance. Review status: criteria provided, multiple submitters, no conflicts (2 of 4 stars). 2 submissions from 2 submitters: Uncertain significance (2). Last evaluated 2022-02-03.

Allele frequency attached by ClinVar (database versions not stated): gnomAD 0.00005 and 0.00006; gnomAD exomes 0.00005; TOPMed 0.00006; ExAC 0.00007; ESP Exome Variant Server 0.00008.
gnomAD v4.1: 152 of 1,613,636 alleles (0.0094%); highest among the groups gnomAD compares: Non-Finnish European, 0.013%; no homozygotes.

Submissions (2):

Labcorp Genetics (formerly Invitae), Labcorp
Classification: Uncertain significance. Last evaluated: 2022-02-03. Review status: criteria provided, single submitter. Criteria: Invitae Variant Classification Sherloc (09022015). Collection method: clinical testing. Allele origin: germline.
Comment: This sequence change replaces glycine, which is neutral and non-polar, with cysteine, which is neutral and slightly polar, at codon 114 of the ADD3 protein (p.Gly114Cys). This variant is present in population databases (rs369234729, gnomAD 0.01%). This variant has not been reported in the literature in individuals affected with ADD3-related conditions. Algorithms developed to predict the effect of missense changes on protein structure and function are either unavailable or do not agree on the potential impact of this missense change (SIFT: "Not Available"; PolyPhen-2: "Probably Damaging"; Align-GVGD: "Not Available"). In summary, the available evidence is currently insufficient to determine the role of this variant in disease. Therefore, it has been classified as a Variant of Uncertain Significance.

Ambry Genetics
Classification: Uncertain significance. Last evaluated: 2021-08-23. Review status: criteria provided, single submitter. Criteria: Ambry Variant Classification Scheme 2023. Collection method: clinical testing. Allele origin: germline.